The following is an entry in ClinVar:

NM_000075.4(CDK4):c.84T>G (p.Ser28Arg)

Gene: CDK4 (cyclin dependent kinase 4; minus strand). Cytogenetic location: 12q14.1.
Variant type: single nucleotide variant.
Coding change: c.84T>G on transcript NM_000075.4 (MANE Select); coding-DNA position 84, T replaced by G.
Protein change: p.Ser28Arg; replaces serine 28 with arginine.
Molecular consequence: missense variant.
Genome position (GRCh38, 1-based): chr12:57,751,634, A>C on the plus strand (T>G on the coding strand, the complement: CDK4 is on the minus strand). VCF-style: chr12-57751634-A-C. GRCh37 (hg19) VCF-style: chr12-58145417-A-C.
Other names: short protein forms S28R.
Identifiers: ClinVar variation 4827171 (VCV004827171.1).
Genomic context (GRCh38, chr12:57,751,634, plus strand): 5'-GCCTCCTCCACCTCCTCCTCCATTGGGGACTCTCACACTCTTGAGGGCCACAAAGTGGCC[A>C]CTGTGGGGATCACGGGCCTTGTACACTGTCCCATAGGCACCGACACCAATTTCAGCCACT-3'
Protein context (NP_000066.1, residues 18-38): GTVYKARDPH[Ser28Arg]GHFVALKSVR

ClinVar aggregate classification (germline): Uncertain significance (1 of 4 stars; one submission).

Conditions:
Hereditary cancer-predisposing syndrome. Also called: Neoplastic Syndromes, Hereditary; Tumor predisposition; Hereditary Cancer Syndrome; Hereditary neoplastic syndrome. Identifiers: Orphanet 140162, MedGen C0027672, MeSH D009386, MONDO:0015356.

Submission:

Ambry Genetics
Classification: Uncertain significance for Hereditary cancer-predisposing syndrome. Last evaluated: 2026-03-06. Review status: criteria provided, single submitter. Criteria: Ambry Variant Classification Scheme 2023. Collection method: clinical testing. Allele origin: germline.
Comment: The p.S28R variant (also known as c.84T>G), located in coding exon 1 of the CDK4 gene, results from a T to G substitution at nucleotide position 84. The serine at codon 28 is replaced by arginine, an amino acid with dissimilar properties. This amino acid position is well conserved in available vertebrate species. In addition, this alteration is predicted to be tolerated by in silico analysis. Based on the available evidence, the clinical significance of this variant remains unclear.